The following is an entry in ClinVar:

NM_005677.4(COLQ):c.361G>T (p.Glu121Ter)

Gene: COLQ (collagen like tail subunit of asymmetric acetylcholinesterase; minus strand). Cytogenetic location: 3p25.1.
Variant type: single nucleotide variant.
Coding change: c.361G>T on transcript NM_005677.4 (MANE Select); coding-DNA position 361, G replaced by T.
Protein change: p.Glu121Ter; replaces glutamic acid 121 with a stop codon.
Molecular consequence: nonsense.
Genome position (GRCh38, 1-based): chr3:15,479,343, C>A on the plus strand (G>T on the coding strand, the complement: COLQ is on the minus strand). VCF-style: chr3-15479343-C-A. GRCh37 (hg19) VCF-style: chr3-15520850-C-A.
Other names: c.331G>T, p.Glu111Ter (NM_080538.2); c.259G>T, p.Glu87Ter (NM_080539.4); short protein forms E111*, E121*, E87*.
Identifiers: ClinVar variation 1069916 (VCV001069916.7), dbSNP rs2125123167, ClinGen allele CA351600013.
Genomic context (GRCh38, chr3:15,479,343, plus strand): 5'-AAAACAGGCTGGAATTGCCAAGGAAAGAAGGGTTGAAGAAAGTAGTGGTCCATACCTTTT[C>A]TCCCTTTGGTCCTGTCTTGCCAGGAAGCCCCGGTGGACCCTAATCAATCAAGATAAAAAG-3'

ClinVar aggregate classification (germline): Pathogenic (1 of 4 stars; one submission).

Conditions:
Congenital myasthenic syndrome 5. Identifiers: Orphanet 590, MedGen C1864233, MONDO:0011281, OMIM 603034.

Submission:

Labcorp Genetics (formerly Invitae), Labcorp
Classification: Pathogenic for Congenital myasthenic syndrome 5. Last evaluated: 2020-02-05. Review status: criteria provided, single submitter. Criteria: Invitae Variant Classification Sherloc (09022015). Collection method: clinical testing. Allele origin: germline.
Comment: For these reasons, this variant has been classified as Pathogenic. Loss-of-function variants in COLQ are known to be pathogenic (PMID: 22678886). This variant has not been reported in the literature in individuals with COLQ-related conditions. This variant is not present in population databases (ExAC no frequency). This sequence change creates a premature translational stop signal (p.Glu121*) in the COLQ gene. It is expected to result in an absent or disrupted protein product.

Literature cited by the submitters: PubMed 22678886.